The following is an entry in ClinVar:

ClinVar aggregate classification (germline): Uncertain significance (1 of 4 stars; one submission).

Conditions:
Peroxisome biogenesis disorder 2B (PBD2B). Identifiers: Orphanet 44, MedGen C3550234, MONDO:0008736, OMIM 202370.

Submission:

Labcorp Genetics (formerly Invitae), Labcorp
Classification: Uncertain significance for Peroxisome biogenesis disorder 2B. Last evaluated: 2021-09-26. Review status: criteria provided, single submitter. Criteria: Invitae Variant Classification Sherloc (09022015). Collection method: clinical testing. Allele origin: germline.
Comment: This variant, c.961_963del, results in the deletion of 1 amino acid(s) of the PEX5 protein (p.Asp321del), but otherwise preserves the integrity of the reading frame. This variant is not present in population databases (ExAC no frequency). This variant has not been reported in the literature in individuals affected with PEX5-related conditions. Experimental studies and prediction algorithms are not available or were not evaluated, and the functional significance of this variant is currently unknown. In summary, the available evidence is currently insufficient to determine the role of this variant in disease. Therefore, it has been classified as a Variant of Uncertain Significance.

NM_001351132.2(PEX5):c.961_963del (p.Asp321del)

Gene: PEX5 (peroxisomal biogenesis factor 5; plus strand). Cytogenetic location: 12p13.31.
Variant type: Deletion.
Coding change: c.961_963del on transcript NM_001351132.2 (MANE Select); coding-DNA positions 961 to 963, 3 bases deleted (GAT; older notation c.961_963delGAT).
Protein change: p.Asp321del; deletes aspartic acid 321.
Molecular consequence: inframe deletion.
Genome position (GRCh38, 1-based): chr12:7,203,546-7,203,548, GAT deleted; deleting any 3 consecutive bases within chr12:7,203,544-7,203,548 gives the same sequence; the c. name uses the placement nearest the transcript's 3' end. VCF-style (leftmost placement, unchanged base first): chr12-7203543-TATG-T. GRCh37 (hg19) VCF-style: chr12-7356139-TATG-T.
Other names: c.937_939del, p.Asp313del (NM_000319.5); c.1006_1008del, p.Asp336del (NM_001131023.2); c.850_852del, p.Asp284del (NM_001131024.2, NM_001351124.3, NM_001351126.2 and 7 more transcripts); c.961_963del, p.Asp321del (NM_001131025.2, NM_001131026.2, NM_001300789.3 and 5 more transcripts); c.895_897del, p.Asp299del (NM_001351135.3, NM_001351138.2); c.826_828del, p.Asp276del (NM_001351139.2, NM_001351140.2, NM_001374649.2); short protein forms D313del, D276del, D284del, D321del, D336del, D299del.
Identifiers: ClinVar variation 1390675 (VCV001390675.3), dbSNP rs1256295273, ClinGen allele CA603150131.